The following is an entry in ClinVar:

NM_014000.3(VCL):c.1696A>G (p.Ser566Gly)

Gene: VCL (vinculin; plus strand). Cytogenetic location: 10q22.2.
Variant type: single nucleotide variant.
Coding change: c.1696A>G on transcript NM_014000.3 (MANE Select); coding-DNA position 1696, A replaced by G.
Protein change: p.Ser566Gly; replaces serine 566 with glycine.
Molecular consequence: missense variant.
Genome position (GRCh38, 1-based): chr10:74,095,808, A>G. VCF-style: chr10-74095808-A-G. GRCh37 (hg19) VCF-style: chr10-75855566-A-G.
Other names: c.1696A>G, p.Ser566Gly (NM_003373.4); short protein forms S566G.
Identifiers: ClinVar variation 3979531 (VCV003979531.1).
Genomic context (GRCh38, chr10:74,095,808, plus strand): 5'-GACCGAGTGGACCAGCTGACAGCCCAGCTGGCTGACCTGGCTGCCAGAGGGGAAGGGGAG[A>G]GTCCTCAGGCACGAGCACTTGCATCTCAGCTCCAAGACTCCTTAAAGGTAGAAGTCAGGA-3'
Protein context (NP_054706.1, residues 556-576): ADLAARGEGE[Ser566Gly]PQARALASQL

ClinVar aggregate classification (germline): Uncertain significance (1 of 4 stars; one submission).

Conditions:
Cardiovascular phenotype. Identifiers: MedGen CN230736.

Submission:

Ambry Genetics
Classification: Uncertain significance for Cardiovascular phenotype. Last evaluated: 2025-03-31. Review status: criteria provided, single submitter. Criteria: Ambry Variant Classification Scheme 2023. Collection method: clinical testing. Allele origin: germline.
Comment: The p.S566G variant (also known as c.1696A>G), located in coding exon 12 of the VCL gene, results from an A to G substitution at nucleotide position 1696. The serine at codon 566 is replaced by glycine, an amino acid with similar properties. This amino acid position is conserved. In addition, the in silico prediction for this alteration is inconclusive. Based on the available evidence, the clinical significance of this variant remains unclear.